The following is an entry in ClinVar:

NM_001130438.3(SPTAN1):c.3796G>A (p.Ala1266Thr)

Gene: SPTAN1 (spectrin alpha, non-erythrocytic 1; plus strand). Cytogenetic location: 9q34.11.
Variant type: single nucleotide variant.
Coding change: c.3796G>A on transcript NM_001130438.3 (MANE Select); coding-DNA position 3796, G replaced by A.
Protein change: p.Ala1266Thr; replaces alanine 1266 with threonine.
Molecular consequence: missense variant.
Genome position (GRCh38, 1-based): chr9:128,605,110, G>A. VCF-style: chr9-128605110-G-A. GRCh37 (hg19) VCF-style: chr9-131367389-G-A.
Other names: c.3736G>A, p.Ala1246Thr (NM_001195532.2, NM_001363765.2, NM_001375314.2); c.3796G>A, p.Ala1266Thr (NM_001363759.2, NM_001375310.1, NM_001375311.2 and 2 more transcripts); c.3832G>A, p.Ala1278Thr (NM_001375312.2, NM_001375318.1); short protein forms A1246T, A1266T, A1278T.
Identifiers: ClinVar variation 1310027 (VCV001310027.3), dbSNP rs1185147138, ClinGen allele CA375064601.

ClinVar aggregate classification (germline): Uncertain significance. Review status: criteria provided, multiple submitters, no conflicts (2 of 4 stars). 2 submissions from 2 submitters: Uncertain significance (2). Last evaluated 2023-02-16.

Allele frequency attached by ClinVar (database versions not stated): gnomAD exomes below 0.00001.
gnomAD v4.1: 2 of 1,613,828 alleles (0.00012%); highest among the groups gnomAD compares: Non-Finnish European, 0.00017%; no homozygotes.

Submissions (2):

GeneDx
Classification: Uncertain significance. Last evaluated: 2023-02-16. Review status: criteria provided, single submitter. Criteria: GeneDx Variant Classification Process June 2021. Collection method: clinical testing. Allele origin: germline. Affected: yes.
Comment: In silico analysis supports that this missense variant does not alter protein structure/function; Has not been previously published as pathogenic or benign to our knowledge

Blueprint Genetics
Classification: Uncertain significance. Last evaluated: 2022-02-03. Review status: criteria provided, single submitter. Criteria: ACMG Guidelines, 2015. Collection method: clinical testing. Allele origin: germline.